The following is an entry in ClinVar:

NM_173607.5(FAM177A1):c.166-3T>C

Gene: FAM177A1 (family with sequence similarity 177 member A1; plus strand). Cytogenetic location: 14q13.2.
Variant type: single nucleotide variant.
Coding change: c.166-3T>C on transcript NM_173607.5 (MANE Select); 3 bases into the intron before coding-DNA position 166, T replaced by C.
Molecular consequence: intron variant.
Genome position (GRCh38, 1-based): chr14:35,053,275, T>C. VCF-style: chr14-35053275-T-C. GRCh37 (hg19) VCF-style: chr14-35522481-T-C.
Other names: c.97-3T>C (NM_001079519.1, NM_001289022.3).
Identifiers: ClinVar variation 3777854 (VCV003777854.7).

ClinVar aggregate classification (germline): Likely benign (1 of 4 stars; one submission).

gnomAD v4.1: 6,661 of 1,606,138 alleles (0.41%); highest among the groups gnomAD compares: Non-Finnish European, 0.51%; 26 homozygotes.

Submission:

CeGaT Center for Human Genetics Tuebingen
Classification: Likely benign. Last evaluated: 2026-02-01. Review status: criteria provided, single submitter. Criteria: CeGaT Center For Human Genetics Tuebingen Variant Classification Criteria Version 2. Collection method: clinical testing. Allele origin: germline. Affected: yes. Observed: 2 variant alleles.
Comment: FAM177A1: BP4, BS2